The following is an entry in ClinVar:

NM_000535.7(PMS2):c.1852C>G (p.Leu618Val)

Gene: PMS2 (PMS1 homolog 2, mismatch repair system component; minus strand). Cytogenetic location: 7p22.1.
Variant type: single nucleotide variant.
Coding change: c.1852C>G on transcript NM_000535.7 (MANE Select); coding-DNA position 1852, C replaced by G.
Protein change: p.Leu618Val; replaces leucine 618 with valine.
Molecular consequence: missense variant. On other transcripts: non-coding transcript variant (1).
Genome position (GRCh38, 1-based): chr7:5,986,913, G>C on the plus strand (C>G on the coding strand, the complement: PMS2 is on the minus strand). VCF-style: chr7-5986913-G-C. GRCh37 (hg19) VCF-style: chr7-6026544-G-C.
Other names: c.1447C>G, p.Leu483Val (NM_001322003.2, NM_001322004.2, NM_001322005.2 and 1 more transcripts); c.1696C>G, p.Leu566Val (NM_001322006.2); c.1534C>G, p.Leu512Val (NM_001322007.2, NM_001322008.2); c.1291C>G, p.Leu431Val (NM_001322010.2); c.919C>G, p.Leu307Val (NM_001322011.2, NM_001322012.2); c.1279C>G, p.Leu427Val (NM_001322013.2); c.1852C>G, p.Leu618Val (NM_001322014.2); c.1543C>G, p.Leu515Val (NM_001322015.2); and 1 more; short protein forms L431V, L307V, L427V, L483V, L512V, L515V, L566V, L618V.
Identifiers: ClinVar variation 922982 (VCV000922982.5), dbSNP rs1782959405, ClinGen allele CA366739586.

ClinVar aggregate classification (germline): Uncertain significance. Review status: criteria provided, multiple submitters, no conflicts (2 of 4 stars). 2 submissions from 2 submitters: Uncertain significance (2). Last evaluated 2024-07-22.

Conditions:
Hereditary cancer-predisposing syndrome. Also called: Neoplastic Syndromes, Hereditary; Tumor predisposition; Hereditary Cancer Syndrome; Hereditary neoplastic syndrome. Identifiers: Orphanet 140162, MedGen C0027672, MeSH D009386, MONDO:0015356.

Submissions (2):

GeneDx
Classification: Uncertain significance. Last evaluated: 2024-07-22. Review status: criteria provided, single submitter. Criteria: GeneDx Variant Classification Process June 2021. Collection method: clinical testing. Allele origin: germline. Affected: yes.
Comment: Not observed at significant frequency in large population cohorts (gnomAD); In silico analysis indicates that this missense variant does not alter protein structure/function; Has not been previously published as pathogenic or benign to our knowledge

Color Diagnostics, LLC DBA Color Health
Classification: Uncertain significance for Hereditary cancer-predisposing syndrome. Last evaluated: 2023-12-04. Review status: criteria provided, single submitter. Criteria: ACMG Guidelines, 2015. Collection method: clinical testing. Allele origin: germline.
Comment: This missense variant replaces leucine with valine at codon 618 of the PMS2 protein. Computational prediction suggests that this variant may not impact protein structure and function (internally defined REVEL score threshold <= 0.5, PMID: 27666373). To our knowledge, functional studies have not been reported for this variant. This variant has not been reported in individuals affected with PMS2-related disorders in the literature. This variant has not been identified in the general population by the Genome Aggregation Database (gnomAD). The available evidence is insufficient to determine the role of this variant in disease conclusively. Therefore, this variant is classified as a Variant of Uncertain Significance.